The following is an entry in ClinVar:

ClinVar aggregate classification (germline): Uncertain significance (1 of 4 stars; one submission).

Submission:

Labcorp Genetics (formerly Invitae), Labcorp
Classification: Uncertain significance. Last evaluated: 2024-03-13. Review status: criteria provided, single submitter. Criteria: Invitae Variant Classification Sherloc (09022015). Collection method: clinical testing. Allele origin: germline.
Comment: This sequence change replaces serine, which is neutral and polar, with glycine, which is neutral and non-polar, at codon 164 of the PHF21A protein (p.Ser164Gly). This variant is not present in population databases (gnomAD no frequency). This variant has not been reported in the literature in individuals affected with PHF21A-related conditions. Advanced modeling of protein sequence and biophysical properties (such as structural, functional, and spatial information, amino acid conservation, physicochemical variation, residue mobility, and thermodynamic stability) performed at Invitae indicates that this missense variant is not expected to disrupt PHF21A protein function with a negative predictive value of 80%. In summary, the available evidence is currently insufficient to determine the role of this variant in disease. Therefore, it has been classified as a Variant of Uncertain Significance.

NM_001352027.3(PHF21A):c.490A>G (p.Ser164Gly)

Gene: PHF21A (PHD finger protein 21A; minus strand). Cytogenetic location: 11p11.2.
Variant type: single nucleotide variant.
Coding change: c.490A>G on transcript NM_001352027.3 (MANE Select); coding-DNA position 490, A replaced by G.
Protein change: p.Ser164Gly; replaces serine 164 with glycine.
Molecular consequence: missense variant. On other transcripts: non-coding transcript variant (2).
Genome position (GRCh38, 1-based): chr11:45,971,238, T>C on the plus strand (A>G on the coding strand, the complement: PHF21A is on the minus strand). VCF-style: chr11-45971238-T-C. GRCh37 (hg19) VCF-style: chr11-45992789-T-C.
Other names: c.490A>G, p.Ser164Gly (NM_001101802.3, NM_001352025.3, NM_001352026.3 and 5 more transcripts); c.487A>G, p.Ser163Gly (NM_001352030.3); short protein forms S164G, S163G.
Identifiers: ClinVar variation 3645581 (VCV003645581.2).